The following is an entry in ClinVar:

NM_012247.5(SEPHS1):c.771G>C (p.Thr257=)

Gene: SEPHS1 (selenophosphate synthetase 1; minus strand). Cytogenetic location: 10p13.
Variant type: single nucleotide variant.
Coding change: c.771G>C on transcript NM_012247.5 (MANE Select); coding-DNA position 771, G replaced by C.
Protein change: p.Thr257=; no amino-acid change (threonine 257 retained).
Molecular consequence: synonymous variant. On other transcripts: non-coding transcript variant (1), intron variant (1).
Genome position (GRCh38, 1-based): chr10:13,323,028, C>G on the plus strand (G>C on the coding strand, the complement: SEPHS1 is on the minus strand). VCF-style: chr10-13323028-C-G. GRCh37 (hg19) VCF-style: chr10-13365028-C-G.
Other names: c.570G>C, p.Thr190= (NM_001195602.2); c.765G>C, p.Thr255= (NM_001375769.1); c.752-3672G>C (NM_001195604.2).
Identifiers: ClinVar variation 3778120 (VCV003778120.7).

ClinVar aggregate classification (germline): Likely benign (1 of 4 stars; one submission).

gnomAD v4.1: 763 of 1,614,036 alleles (0.047%); highest among the groups gnomAD compares: African/African-American, 0.89%; 4 homozygotes.

Submission:

CeGaT Center for Human Genetics Tuebingen
Classification: Likely benign. Last evaluated: 2025-03-01. Review status: criteria provided, single submitter. Criteria: CeGaT Center For Human Genetics Tuebingen Variant Classification Criteria Version 2. Collection method: clinical testing. Allele origin: germline. Affected: yes. Observed: 1 variant allele.
Comment: SEPHS1: BP4, BP7